The following is an entry in ClinVar:

NM_021096.4(CACNA1I):c.2820G>A (p.Pro940=)

Gene: CACNA1I (calcium voltage-gated channel subunit alpha1 I; plus strand). Cytogenetic location: 22q13.1.
Variant type: single nucleotide variant.
Coding change: c.2820G>A on transcript NM_021096.4 (MANE Select); coding-DNA position 2820, G replaced by A.
Protein change: p.Pro940=; no amino-acid change (proline 940 retained).
Molecular consequence: synonymous variant.
Genome position (GRCh38, 1-based): chr22:39,661,229, G>A. VCF-style: chr22-39661229-G-A. GRCh37 (hg19) VCF-style: chr22-40057234-G-A.
Other names: c.2715G>A, p.Pro905= (NM_001003406.2).
Identifiers: ClinVar variation 2653157 (VCV002653157.24), dbSNP rs59624877, ClinGen allele CA10244295.

ClinVar aggregate classification (germline): Likely benign (1 of 4 stars; one submission).

Submission:

CeGaT Center for Human Genetics Tuebingen
Classification: Likely benign. Last evaluated: 2022-07-01. Review status: criteria provided, single submitter. Criteria: CeGaT Center For Human Genetics Tuebingen Variant Classification Criteria Version 2. Collection method: clinical testing. Allele origin: germline. Affected: yes. Observed: 1 variant allele.
Comment: CACNA1I: BP4, BP7